The following is an entry in ClinVar:

ClinVar aggregate classification (germline): Uncertain significance (1 of 4 stars; one submission).

Submission:

Labcorp Genetics (formerly Invitae), Labcorp
Classification: Uncertain significance. Last evaluated: 2025-03-10. Review status: criteria provided, single submitter. Criteria: Invitae Variant Classification Sherloc (09022015). Collection method: clinical testing. Allele origin: germline.
Comment: This sequence change replaces valine, which is neutral and non-polar, with leucine, which is neutral and non-polar, at codon 834 of the CSF1R protein (p.Val834Leu). This variant is not present in population databases (gnomAD no frequency). This missense change has been observed in individual(s) with clinical features of CSF1R-related conditions (PMID: 29525180). Invitae Evidence Modeling of protein sequence and biophysical properties (such as structural, functional, and spatial information, amino acid conservation, physicochemical variation, residue mobility, and thermodynamic stability) indicates that this missense variant is not expected to disrupt CSF1R protein function with a negative predictive value of 95%. In summary, the available evidence is currently insufficient to determine the role of this variant in disease. Therefore, it has been classified as a Variant of Uncertain Significance.

Literature cited by the submitters: PubMed 29525180.

NM_001288705.3(CSF1R):c.2500G>C (p.Val834Leu)

Gene: CSF1R (colony stimulating factor 1 receptor; minus strand). Cytogenetic location: 5q32.
Variant type: single nucleotide variant.
Coding change: c.2500G>C on transcript NM_001288705.3 (MANE Select); coding-DNA position 2500, G replaced by C.
Protein change: p.Val834Leu; replaces valine 834 with leucine.
Molecular consequence: missense variant. On other transcripts: non-coding transcript variant (2).
Genome position (GRCh38, 1-based): chr5:150,056,080, C>G on the plus strand (G>C on the coding strand, the complement: CSF1R is on the minus strand). VCF-style: chr5-150056080-C-G. GRCh37 (hg19) VCF-style: chr5-149435643-C-G.
Other names: c.2500G>C, p.Val834Leu (NM_001349736.2, NM_001375320.1, NM_005211.4); c.2056G>C, p.Val686Leu (NM_001375321.1); short protein forms V834L, V686L.
Identifiers: ClinVar variation 4737588 (VCV004737588.1).